The following is an entry in ClinVar:

ClinVar aggregate classification (germline): Uncertain significance (1 of 4 stars; one submission).

Allele frequency attached by ClinVar (database versions not stated): ExAC 0.00001; gnomAD 0.00001; TOPMed 0.00001; gnomAD exomes 0.00002.
gnomAD v4.1: 25 of 1,612,896 alleles (0.0016%); highest among the groups gnomAD compares: Non-Finnish European, 0.002%; no homozygotes.

Submission:

Labcorp Genetics (formerly Invitae), Labcorp
Classification: Uncertain significance. Last evaluated: 2024-01-19. Review status: criteria provided, single submitter. Criteria: Invitae Variant Classification Sherloc (09022015). Collection method: clinical testing. Allele origin: germline.
Comment: This sequence change falls in intron 6 of the TGM6 gene. It does not directly change the encoded amino acid sequence of the TGM6 protein. It affects a nucleotide within the consensus splice site. This variant is present in population databases (rs752476956, gnomAD 0.002%). This variant has not been reported in the literature in individuals affected with TGM6-related conditions. Variants that disrupt the consensus splice site are a relatively common cause of aberrant splicing (PMID: 17576681, 9536098). Algorithms developed to predict the effect of sequence changes on RNA splicing suggest that this variant is not likely to affect RNA splicing. In summary, the available evidence is currently insufficient to determine the role of this variant in disease. Therefore, it has been classified as a Variant of Uncertain Significance.

Literature cited by the submitters: PubMed 17576681; PubMed 9536098.

NM_198994.3(TGM6):c.850+5C>T

Gene: TGM6 (transglutaminase 6; plus strand). Cytogenetic location: 20p13.
Variant type: single nucleotide variant.
Coding change: c.850+5C>T on transcript NM_198994.3 (MANE Select); 5 bases into the intron after coding-DNA position 850, C replaced by T.
Molecular consequence: intron variant.
Genome position (GRCh38, 1-based): chr20:2,399,743, C>T. VCF-style: chr20-2399743-C-T. GRCh37 (hg19) VCF-style: chr20-2380389-C-T.
Other names: c.850+5C>T (NM_001254734.2).
Identifiers: ClinVar variation 3010507 (VCV003010507.3), dbSNP rs752476956, ClinGen allele CA9731837.